The following is an entry in ClinVar:

ClinVar aggregate classification (germline): Uncertain significance. Review status: criteria provided, multiple submitters, no conflicts (2 of 4 stars). 3 submissions from 3 submitters: Uncertain significance (3). Last evaluated 2023-04-17.

Conditions:
Inborn genetic diseases. Identifiers: MedGen C0950123, MeSH D030342.
Facioscapulohumeral muscular dystrophy 2 (FSHD2). Also called: MUSCULAR DYSTROPHY, FACIOSCAPULOHUMERAL, TYPE 1B; FACIOSCAPULOHUMERAL MUSCULAR DYSTROPHY 2, DIGENIC; FSHD2, DIGENIC. Identifiers: Orphanet 269, MedGen C1834671, MONDO:0008031, OMIM 158901.

Allele frequency attached by ClinVar (database versions not stated): gnomAD exomes below 0.00001; ExAC 0.00001; TOPMed 0.00002.
gnomAD v4.1: 4 of 1,601,128 alleles (0.00025%); highest among the groups gnomAD compares: Admixed American, 0.0035%; no homozygotes.

Submissions (3):

Ambry Genetics
Classification: Uncertain significance for Inborn genetic diseases. Last evaluated: 2023-04-17. Review status: criteria provided, single submitter. Criteria: Ambry Variant Classification Scheme 2023. Collection method: clinical testing. Allele origin: germline.

Labcorp Genetics (formerly Invitae), Labcorp
Classification: Uncertain significance for Facioscapulohumeral muscular dystrophy 2. Last evaluated: 2022-04-17. Review status: criteria provided, single submitter. Criteria: Invitae Variant Classification Sherloc (09022015). Collection method: clinical testing. Allele origin: germline.
Comment: This sequence change replaces glycine, which is neutral and non-polar, with cysteine, which is neutral and slightly polar, at codon 1385 of the SMCHD1 protein (p.Gly1385Cys). The frequency data for this variant in the population databases is considered unreliable, as metrics indicate poor data quality at this position in the gnomAD database. This variant has not been reported in the literature in individuals affected with SMCHD1-related conditions. ClinVar contains an entry for this variant (Variation ID: 290326). Algorithms developed to predict the effect of missense changes on protein structure and function are either unavailable or do not agree on the potential impact of this missense change (SIFT: "Deleterious"; PolyPhen-2: "Benign"; Align-GVGD: "Class C0"). In summary, the available evidence is currently insufficient to determine the role of this variant in disease. Therefore, it has been classified as a Variant of Uncertain Significance.

Eurofins Ntd Llc (ga)
Classification: Uncertain significance. Last evaluated: 2016-09-14. Review status: criteria provided, single submitter. Criteria: EGL Classification Definitions 2015. Collection method: clinical testing. Allele origin: germline. Observed: 1 variant allele, 1 heterozygote.

NM_015295.3(SMCHD1):c.4153G>T (p.Gly1385Cys)

Gene: SMCHD1 (structural maintenance of chromosomes flexible hinge domain containing 1; plus strand). Cytogenetic location: 18p11.32.
Variant type: single nucleotide variant.
Coding change: c.4153G>T on transcript NM_015295.3 (MANE Select); coding-DNA position 4153, G replaced by T.
Protein change: p.Gly1385Cys; replaces glycine 1385 with cysteine.
Molecular consequence: missense variant.
Genome position (GRCh38, 1-based): chr18:2,750,495, G>T. VCF-style: chr18-2750495-G-T. GRCh37 (hg19) VCF-style: chr18-2750493-G-T.
Other names: c.4153G>T (NM_015295.2); short protein forms G1385C.
Identifiers: ClinVar variation 290326 (VCV000290326.11), dbSNP rs774329481, ClinGen allele CA8871392.